The following is an entry in ClinVar:

ClinVar aggregate classification (germline): Uncertain significance (1 of 4 stars; one submission).

Conditions:
Ataxia-telangiectasia syndrome (AT). Also called: Ataxia-telangiectasia, complementation group D; AT, COMPLEMENTATION GROUP C; Ataxia-telangiectasia; Ataxia telangiectasia (A-T); Ataxia-telangiectasia, complementation group E; Cerebello-oculocutaneous telangiectasia. Identifiers: Orphanet 100, MedGen C0004135, MONDO:0008840, OMIM 208900.

Allele frequency attached by ClinVar (database versions not stated): gnomAD exomes below 0.00001.
gnomAD v4.1: 1 of 1,613,792 alleles (0.000062%); highest among the groups gnomAD compares: African/African-American, 0.0013%; no homozygotes.

Submission:

Labcorp Genetics (formerly Invitae), Labcorp
Classification: Uncertain significance for Ataxia-telangiectasia syndrome. Last evaluated: 2021-01-28. Review status: criteria provided, single submitter. Criteria: Invitae Variant Classification Sherloc (09022015). Collection method: clinical testing. Allele origin: germline.
Comment: In summary, the available evidence is currently insufficient to determine the role of this variant in disease. Therefore, it has been classified as a Variant of Uncertain Significance. Advanced modeling of protein sequence and biophysical properties (such as structural, functional, and spatial information, amino acid conservation, physicochemical variation, residue mobility, and thermodynamic stability) performed at Invitae indicates that this missense variant is not expected to disrupt ATM protein function. This variant has not been reported in the literature in individuals with ATM-related conditions. This variant is not present in population databases (ExAC no frequency). This sequence change replaces isoleucine with methionine at codon 1453 of the ATM protein (p.Ile1453Met). The isoleucine residue is moderately conserved and there is a small physicochemical difference between isoleucine and methionine.

NM_000051.4(ATM):c.4359A>G (p.Ile1453Met)

Gene: ATM (ATM serine/threonine kinase; plus strand). Cytogenetic location: 11q22.3.
Variant type: single nucleotide variant.
Coding change: c.4359A>G on transcript NM_000051.4 (MANE Select); coding-DNA position 4359, A replaced by G.
Protein change: p.Ile1453Met; replaces isoleucine 1453 with methionine.
Molecular consequence: missense variant.
Genome position (GRCh38, 1-based): chr11:108,289,724, A>G. VCF-style: chr11-108289724-A-G. GRCh37 (hg19) VCF-style: chr11-108160451-A-G.
Other names: c.4359A>G, p.Ile1453Met (NM_001351834.2); short protein forms I1453M.
Identifiers: ClinVar variation 1399267 (VCV001399267.8), dbSNP rs1213190389, ClinGen allele CA382532037.
Genomic context (GRCh38, chr11:108,289,724, plus strand): 5'-TAAGAAGCACAGAATTCTTAAAATATATCACCTGTTTGTTAGTTTATTACTGAAAGATAT[A>G]AAAAGTGGCTTAGGAGGAGCTTGGGCCTTTGTTCTTCGAGACGTTATTTATACTTTGATT-3'
Protein context (NP_000042.3, residues 1443-1463): HLFVSLLLKD[Ile1453Met]KSGLGGAWAF